The following is an entry in ClinVar:

ClinVar aggregate classification (germline): Uncertain significance (1 of 4 stars; one submission).

Conditions:
Alstrom syndrome (ALMS). Identifiers: Orphanet 64, MedGen C0268425, MONDO:0008763, OMIM 203800.

gnomAD v4.1: 2 of 1,614,004 alleles (0.00012%); highest among the groups gnomAD compares: Admixed American, 0.0033%; no homozygotes.

Submission:

Labcorp Genetics (formerly Invitae), Labcorp
Classification: Uncertain significance for Alstrom syndrome. Last evaluated: 2022-02-05. Review status: criteria provided, single submitter. Criteria: Invitae Variant Classification Sherloc (09022015). Collection method: clinical testing. Allele origin: germline.
Comment: This sequence change replaces arginine, which is basic and polar, with serine, which is neutral and polar, at codon 2896 of the ALMS1 protein (p.Arg2896Ser). This variant is present in population databases (rs765969711, gnomAD 0.006%). This variant has not been reported in the literature in individuals affected with ALMS1-related conditions. Experimental studies and prediction algorithms are not available or were not evaluated, and the functional significance of this variant is currently unknown. In summary, the available evidence is currently insufficient to determine the role of this variant in disease. Therefore, it has been classified as a Variant of Uncertain Significance.

NM_001378454.1(ALMS1):c.8683C>A (p.Arg2895Ser)

Gene: ALMS1 (ALMS1 centrosome and basal body associated protein; plus strand). Cytogenetic location: 2p13.1.
Variant type: single nucleotide variant.
Coding change: c.8683C>A on transcript NM_001378454.1 (MANE Select); coding-DNA position 8683, C replaced by A.
Protein change: p.Arg2895Ser; replaces arginine 2895 with serine.
Molecular consequence: missense variant.
Genome position (GRCh38, 1-based): chr2:73,490,642, C>A. VCF-style: chr2-73490642-C-A. GRCh37 (hg19) VCF-style: chr2-73717769-C-A.
Other names: c.8686C>A, p.Arg2896Ser (NM_015120.4); short protein forms R2895S, R2896S.
Identifiers: ClinVar variation 1397957 (VCV001397957.3), dbSNP rs765969711, ClinGen allele CA1714518.